The following is an entry in ClinVar:

NM_177559.3(CSNK2A1):c.266G>C (p.Arg89Thr)

Gene: CSNK2A1 (casein kinase 2 alpha 1; minus strand). Cytogenetic location: 20p13.
Variant type: single nucleotide variant.
Coding change: c.266G>C on transcript NM_177559.3 (MANE Select); coding-DNA position 266, G replaced by C.
Protein change: p.Arg89Thr; replaces arginine 89 with threonine.
Molecular consequence: missense variant. On other transcripts: 5 prime UTR variant (1).
Genome position (GRCh38, 1-based): chr20:499,882, C>G on the plus strand (G>C on the coding strand, the complement: CSNK2A1 is on the minus strand). VCF-style: chr20-499882-C-G. GRCh37 (hg19) VCF-style: chr20-480526-C-G.
Other names: c.266G>C, p.Arg89Thr (NM_001362770.2, NM_001362771.2, NM_001895.4); c.-143G>C (NM_177560.3); short protein forms R89T.
Identifiers: ClinVar variation 4855353 (VCV004855353.1).

ClinVar aggregate classification (germline): Uncertain significance (1 of 4 stars; one submission).

Conditions:
Okur-Chung neurodevelopmental syndrome (OCNDS). Identifiers: Orphanet 689422, MedGen C4310739, MONDO:0014893, OMIM 617062.

Submission:

3billion
Classification: Uncertain significance for Okur-Chung neurodevelopmental syndrome. Last evaluated: 2025-11-17. Review status: criteria provided, single submitter. Criteria: ACMG Guidelines, 2015. Collection method: clinical testing. Allele origin: germline. Affected: yes.
Comment: The variant is not observed in the gnomAD v4.1.0 dataset. Predicted Consequence/Location: Missense variant In silico tool predictions suggest damaging effect of the variant on gene or gene product [3Cnet: 0.99 (> 0.75, sensitivity 0.96 and precision 0.92)]. Therefore, this variant is classified as VUS according to the recommendation of ACMG/AMP guideline.